The following is an entry in ClinVar:

NM_014000.3(VCL):c.539A>G (p.Gln180Arg)

Gene: VCL (vinculin; plus strand). Cytogenetic location: 10q22.2.
Variant type: single nucleotide variant.
Coding change: c.539A>G on transcript NM_014000.3 (MANE Select); coding-DNA position 539, A replaced by G.
Protein change: p.Gln180Arg; replaces glutamine 180 with arginine.
Molecular consequence: missense variant.
Genome position (GRCh38, 1-based): chr10:74,072,769, A>G. VCF-style: chr10-74072769-A-G. GRCh37 (hg19) VCF-style: chr10-75832527-A-G.
Other names: c.539A>G (NM_014000.2); c.539A>G, p.Gln180Arg (NM_003373.4); short protein forms Q180R.
Identifiers: ClinVar variation 1285065 (VCV001285065.9), dbSNP rs1841681941, ClinGen allele CA377267972.

ClinVar aggregate classification (germline): Uncertain significance. Review status: criteria provided, multiple submitters, no conflicts (2 of 4 stars). 4 submissions from 4 submitters: Uncertain significance (2). 2 of the submissions do not count toward it. Last evaluated 2024-04-29.

Conditions:
VCL-related disorder. Also called: VCL-related condition.
Dilated cardiomyopathy 1W (CMD1W). Identifiers: Orphanet 154, MedGen C1969639, MONDO:0012667, OMIM 611407.

Allele frequency attached by ClinVar (database versions not stated): gnomAD 0.00001.
gnomAD v4.1: 10 of 1,614,006 alleles (0.00062%); highest among the groups gnomAD compares: Non-Finnish European, 0.00085%; no homozygotes.

Submissions (4):

Labcorp Genetics (formerly Invitae), Labcorp
Classification: Uncertain significance for Dilated cardiomyopathy 1W. Last evaluated: 2024-04-29. Review status: criteria provided, single submitter. Criteria: Invitae Variant Classification Sherloc (09022015). Collection method: clinical testing. Allele origin: germline.
Comment: This sequence change replaces glutamine with arginine at codon 180 of the VCL protein (p.Gln180Arg). The glutamine residue is highly conserved and there is a small physicochemical difference between glutamine and arginine. This variant is not present in population databases (gnomAD no frequency). This missense change has been observed in individual(s) with dilated cardiomyopathy (PMID: 32880476). ClinVar contains an entry for this variant (Variation ID: 1285065). An algorithm developed to predict the effect of missense changes on protein structure and function (PolyPhen-2) suggests that this variant is likely to be disruptive. In summary, the available evidence is currently insufficient to determine the role of this variant in disease. Therefore, it has been classified as a Variant of Uncertain Significance.

PreventionGenetics, part of Exact Sciences
Classification: Uncertain significance for VCL-related condition. Last evaluated: 2023-01-03. Review status: criteria provided, single submitter. Criteria: ACMG Guidelines, 2015. Collection method: clinical testing. Allele origin: germline.
Comment: The VCL c.539A>G variant is predicted to result in the amino acid substitution p.Gln180Arg. This variant was reported in an individual with dilated cardiomyopathy along with potentially pathogenic variants in other genes (Verdonschot et al. 2020. PubMed ID: 32880476). This variant has not been reported in a large population database, indicating this variant is rare. At this time, the clinical significance of this variant is uncertain due to the absence of conclusive functional and genetic evidence.

Genome Diagnostics Laboratory, University Medical Center Utrecht
Classification: Uncertain significance. Review status: no assertion criteria provided. Collection method: clinical testing. Allele origin: germline. Affected: yes. Study: VKGL Data-share Consensus. Not counted in ClinVar's aggregate classification.

Joint Genome Diagnostic Labs from Nijmegen and Maastricht, Radboudumc and MUMC+
Classification: Uncertain significance. Review status: no assertion criteria provided. Collection method: clinical testing. Allele origin: germline. Affected: yes. Study: VKGL Data-share Consensus. Not counted in ClinVar's aggregate classification.

Literature cited by the submitters: PubMed 32880476 (cited by Labcorp Genetics (formerly Invitae), Labcorp).